The following is an entry in ClinVar:

NM_024675.4(PALB2):c.530A>C (p.Lys177Thr)

Gene: PALB2 (partner and localizer of BRCA2; minus strand). Cytogenetic location: 16p12.2.
Variant type: single nucleotide variant.
Coding change: c.530A>C on transcript NM_024675.4 (MANE Select); coding-DNA position 530, A replaced by C.
Protein change: p.Lys177Thr; replaces lysine 177 with threonine.
Molecular consequence: missense variant. On other transcripts: 5 prime UTR variant (8), intron variant (3).
Genome position (GRCh38, 1-based): chr16:23,636,016, T>G on the plus strand (A>C on the coding strand, the complement: PALB2 is on the minus strand). VCF-style: chr16-23636016-T-G. GRCh37 (hg19) VCF-style: chr16-23647337-T-G.
Other names: c.470A>C, p.Lys157Thr (NM_001407296.1); c.530A>C, p.Lys177Thr (NM_001407297.1, NM_001407298.1, NM_001407299.1 and 3 more transcripts); c.-356A>C (NM_001407304.1, NM_001407305.1, NM_001407306.1 and 5 more transcripts); c.48+5094A>C (NM_001407314.1); c.-105+5094A>C (NM_001407313.1, NM_001407312.1); short protein forms K157T, K177T.
Identifiers: ClinVar variation 3885193 (VCV003885193.1).
Genomic context (GRCh38, chr16:23,636,016, plus strand): 5'-GTTCTTATTTCAGTTACTGGTGATCTAGCAGGATTTTTGCTACTGATTTCTTCCTGTTCC[T>G]TTAGTCTTTTCCCAGACAATCTGAGTGAATCAGTGCCAAAGACACAGTCTCTCTCCTGTG-3'
Protein context (NP_078951.2, residues 167-187): DSLRLSGKRL[Lys177Thr]EQEEISSKNP

ClinVar aggregate classification (germline): Uncertain significance (1 of 4 stars; one submission).

Conditions:
Hereditary cancer-predisposing syndrome. Also called: Tumor predisposition; Neoplastic Syndromes, Hereditary; Hereditary Cancer Syndrome; Hereditary neoplastic syndrome. Identifiers: Orphanet 140162, MedGen C0027672, MeSH D009386, MONDO:0015356.

Submission:

Ambry Genetics
Classification: Uncertain significance for Hereditary cancer-predisposing syndrome. Last evaluated: 2024-12-20. Review status: criteria provided, single submitter. Criteria: Ambry Variant Classification Scheme 2023. Collection method: clinical testing. Allele origin: germline.
Comment: The p.K177T variant (also known as c.530A>C), located in coding exon 4 of the PALB2 gene, results from an A to C substitution at nucleotide position 530. The lysine at codon 177 is replaced by threonine, an amino acid with similar properties. This amino acid position is conserved. In addition, this alteration is predicted to be tolerated by in silico analysis. Based on the available evidence, the clinical significance of this variant remains unclear.